The following is an entry in ClinVar:

ClinVar aggregate classification (germline): Conflicting classifications of pathogenicity. Review status: criteria provided, conflicting classifications (1 of 4 stars). 2 submissions from 2 submitters: Uncertain significance (1); Likely benign (1). Last evaluated 2023-03-23.

Conditions:
Hereditary cancer-predisposing syndrome. Also called: Neoplastic Syndromes, Hereditary; Hereditary Cancer Syndrome; Tumor predisposition; Hereditary neoplastic syndrome. Identifiers: Orphanet 140162, MedGen C0027672, MeSH D009386, MONDO:0015356.
Hereditary breast ovarian cancer syndrome. Also called: Breast and ovarian cancer; Hereditary breast and ovarian cancer; Hereditary breast and ovarian cancer syndrome; Hereditary breast and ovarian cancer syndrome (HBOC); BRCA1- and BRCA2-Associated Hereditary Breast and Ovarian Cancer; Hereditary breast and/or ovarian cancer syndrome. Identifiers: Orphanet 145, MedGen C0677776, MeSH D061325, MONDO:0003582. Disease mechanism: loss of function.

Submissions (2):

University of Washington Department of Laboratory Medicine, University of Washington
Classification: Likely benign for Hereditary cancer-predisposing syndrome. Last evaluated: 2023-03-23. Review status: criteria provided, single submitter. Criteria: Dines et al. (Genet Med. 2020). Collection method: curation. Allele origin: germline.
Comment: Missense variant in a coldspot region where missense variants are very unlikely to be pathogenic (PMID:31911673).

BRCA1 coldspot (exon 11 using historical exon numbering). Reclassification based on statistical prior probability

Labcorp Genetics (formerly Invitae), Labcorp
Classification: Uncertain significance for Hereditary breast ovarian cancer syndrome. Last evaluated: 2021-06-23. Review status: criteria provided, single submitter. Criteria: Invitae Variant Classification Sherloc (09022015). Collection method: clinical testing. Allele origin: germline.
Comment: This sequence change replaces valine with leucine at codon 1117 of the BRCA1 protein (p.Val1117Leu). The valine residue is weakly conserved and there is a small physicochemical difference between valine and leucine. This variant is not present in population databases (ExAC no frequency). In summary, the available evidence is currently insufficient to determine the role of this variant in disease. Therefore, it has been classified as a Variant of Uncertain Significance. Advanced modeling of protein sequence and biophysical properties (such as structural, functional, and spatial information, amino acid conservation, physicochemical variation, residue mobility, and thermodynamic stability) performed at Invitae indicates that this missense variant is not expected to disrupt BRCA1 protein function. This variant has not been reported in the literature in individuals with BRCA1-related conditions.

NM_007294.4(BRCA1):c.3349G>C (p.Val1117Leu)

Genes: BRCA1 (BRCA1 DNA repair associated; minus strand), LOC126862571 (BRD4-independent group 4 enhancer GRCh37_chr17:41243136-41244335; plus strand). Cytogenetic location: 17q21.31.
Variant type: single nucleotide variant.
Coding change: c.3349G>C on transcript NM_007294.4 (MANE Select); coding-DNA position 3349, G replaced by C.
Protein change: p.Val1117Leu; replaces valine 1117 with leucine.
Molecular consequence: missense variant. On other transcripts: intron variant (137).
Genome position (GRCh38, 1-based): chr17:43,092,182, C>G on the plus strand (G>C on the coding strand, the complement: BRCA1 is on the minus strand). VCF-style: chr17-43092182-C-G. GRCh37 (hg19) VCF-style: chr17-41244199-C-G.
Other names: c.3226G>C, p.Val1076Leu (NM_001407669.1, NM_001407674.1, NM_001407675.1 and 19 more transcripts); c.3223G>C, p.Val1075Leu (NM_001407670.1, NM_001407671.1, NM_001407672.1 and 11 more transcripts); c.3208G>C, p.Val1070Leu (NM_001407727.1, NM_001407728.1, NM_001407695.1 and 29 more transcripts); c.3349G>C, p.Val1117Leu (NM_001407684.1, NM_001407581.1, NM_001407582.1 and 30 more transcripts); c.788-1150G>C (NM_001407976.1, NM_001408404.1, NM_001408472.1 and 17 more transcripts); c.653-1150G>C (NM_001408451.1); c.644-1150G>C (NM_001408464.1, NM_001408468.1, NM_001408465.1 and 3 more transcripts); c.524-1150G>C (NM_001408498.1, NM_001408501.1, NM_001408500.1 and 3 more transcripts); and 41 more; short protein forms V1117L, V1070L, V1029L, V1046L, V1075L, V989L, V1005L, V1028L.
Identifiers: ClinVar variation 1475929 (VCV001475929.11), dbSNP rs2154326025, ClinGen allele CA10595278.